The following is an entry in ClinVar:

ClinVar aggregate classification (germline): Uncertain significance (1 of 4 stars; one submission).

Conditions:
Marfan syndrome (MFS). Also called: MARFAN SYNDROME, TYPE I; Marfan syndrome type 1; Marfan's syndrome; Marfan syndrome, classic; FBN1-Related Marfan Syndrome. Identifiers: Orphanet 284963, Orphanet 558, MedGen C0024796, MONDO:0007947, OMIM 154700.
Familial thoracic aortic aneurysm and aortic dissection (TAAD). Also called: Thoracic aortic aneurysms and dissections. Identifiers: Orphanet 91387, MedGen C4707243, MONDO:0019625.

Submission:

Labcorp Genetics (formerly Invitae), Labcorp
Classification: Uncertain significance for Marfan syndrome; Familial thoracic aortic aneurysm and aortic dissection. Last evaluated: 2023-11-24. Review status: criteria provided, single submitter. Criteria: Invitae Variant Classification Sherloc (09022015). Collection method: clinical testing. Allele origin: germline.
Comment: This sequence change replaces arginine, which is basic and polar, with serine, which is neutral and polar, at codon 1234 of the FBN1 protein (p.Arg1234Ser). This variant is not present in population databases (gnomAD no frequency). This missense change has been observed in individual(s) with clinical features of Marfan syndrome (Invitae). Advanced modeling of protein sequence and biophysical properties (such as structural, functional, and spatial information, amino acid conservation, physicochemical variation, residue mobility, and thermodynamic stability) performed at Invitae indicates that this missense variant is expected to disrupt FBN1 protein function with a positive predictive value of 95%. In summary, the available evidence is currently insufficient to determine the role of this variant in disease. Therefore, it has been classified as a Variant of Uncertain Significance.

NM_000138.5(FBN1):c.3702A>T (p.Arg1234Ser)

Gene: FBN1 (fibrillin 1; minus strand). Cytogenetic location: 15q21.1.
Variant type: single nucleotide variant.
Coding change: c.3702A>T on transcript NM_000138.5 (MANE Select); coding-DNA position 3702, A replaced by T.
Protein change: p.Arg1234Ser; replaces arginine 1234 with serine.
Molecular consequence: missense variant.
Genome position (GRCh38, 1-based): chr15:48,485,384, T>A on the plus strand (A>T on the coding strand, the complement: FBN1 is on the minus strand). VCF-style: chr15-48485384-T-A. GRCh37 (hg19) VCF-style: chr15-48777581-T-A.
Other names: c.3702A>T, p.Arg1234Ser (NM_001406716.1); short protein forms R1234S.
Identifiers: ClinVar variation 2927084 (VCV002927084.2), dbSNP rs2505544706, ClinGen allele CA392324313.
Genomic context (GRCh38, chr15:48,485,384, plus strand): 5'-TTACTTAGGAACCTACTGAGAGATTCAACATGAGGCTAGAACCTACTCACCGGTGCATGA[T>A]CTCTGGTCAGGCATTAGTGCAAATCCCGGCTGACAGCTACATTCATAGCTGCCTTCAGAG-3'
Protein context (NP_000129.3, residues 1224-1244): QPGFALMPDQ[Arg1234Ser]SCTDIDECED